The following is an entry in ClinVar:

NM_004070.4(CLCNKA):c.762A>G (p.Ala254=)

Genes: CLCNKA (chloride voltage-gated channel Ka; plus strand), LOC106501712 (CLCNKA recombination region; plus strand). Cytogenetic location: 1p36.13.
Variant type: single nucleotide variant.
Coding change: c.762A>G on transcript NM_004070.4 (MANE Select); coding-DNA position 762, A replaced by G.
Protein change: p.Ala254=; no amino-acid change (alanine 254 retained).
Molecular consequence: synonymous variant.
Genome position (GRCh38, 1-based): chr1:16,027,416, A>G. VCF-style: chr1-16027416-A-G. GRCh37 (hg19) VCF-style: chr1-16353911-A-G.
Other names: c.762A>G, p.Ala254= (NM_001042704.2); c.633A>G, p.Ala211= (NM_001257139.2).
Identifiers: ClinVar variation 4872161 (VCV004872161.3).

ClinVar aggregate classification (germline): Likely benign. Review status: criteria provided, multiple submitters, no conflicts (2 of 4 stars). 2 submissions from 2 submitters: Likely benign (2). Last evaluated 2026-06-01.

gnomAD v4.1: 518 of 1,614,034 alleles (0.032%); highest among the groups gnomAD compares: Middle Eastern, 0.48%; 2 homozygotes.

Submissions (2):

CeGaT Center for Human Genetics Tuebingen
Classification: Likely benign. Last evaluated: 2026-06-01. Review status: criteria provided, single submitter. Criteria: CeGaT Center For Human Genetics Tuebingen Variant Classification Criteria Version 2. Collection method: clinical testing. Allele origin: germline. Affected: yes. Observed: 1 variant allele.
Comment: CLCNKA: BP4, BP7

Blueprint Genetics
Classification: Likely benign. Last evaluated: 2024-08-26. Review status: criteria provided, single submitter. Criteria: ACMG Guidelines, 2015. Collection method: clinical testing. Allele origin: germline.